The following is an entry in ClinVar:

ClinVar aggregate classification (germline): Uncertain significance (1 of 4 stars; one submission).

Conditions:
Hyperaldosteronism, familial, type IV (HALD4). Also called: FH IV; ALDOSTERONISM, PRIMARY, AND HYPERTENSION. Identifiers: Orphanet 642671, MedGen C4310756, MONDO:0014875, OMIM 617027.
Idiopathic generalized epilepsy. Also called: EIG; Generalised epilepsy. Identifiers: MedGen C0270850, MONDO:0005579, OMIM 600669.

gnomAD v4.1: 1 of 1,412,482 alleles (0.000071%); highest among the groups gnomAD compares: Non-Finnish European, 0.000093%; no homozygotes.

Submission:

Labcorp Genetics (formerly Invitae), Labcorp
Classification: Uncertain significance for Idiopathic generalized epilepsy; Hyperaldosteronism, familial, type IV. Last evaluated: 2022-08-21. Review status: criteria provided, single submitter. Criteria: Invitae Variant Classification Sherloc (09022015). Collection method: clinical testing. Allele origin: germline.
Comment: In summary, the available evidence is currently insufficient to determine the role of this variant in disease. Therefore, it has been classified as a Variant of Uncertain Significance. Advanced modeling of protein sequence and biophysical properties (such as structural, functional, and spatial information, amino acid conservation, physicochemical variation, residue mobility, and thermodynamic stability) performed at Invitae indicates that this missense variant is not expected to disrupt CACNA1H protein function. This variant has not been reported in the literature in individuals affected with CACNA1H-related conditions. This variant is not present in population databases (gnomAD no frequency). This sequence change replaces serine, which is neutral and polar, with threonine, which is neutral and polar, at codon 91 of the CACNA1H protein (p.Ser91Thr).

NM_021098.3(CACNA1H):c.272G>C (p.Ser91Thr)

Gene: CACNA1H (calcium voltage-gated channel subunit alpha1 H; plus strand). Cytogenetic location: 16p13.3.
Variant type: single nucleotide variant.
Coding change: c.272G>C on transcript NM_021098.3 (MANE Select); coding-DNA position 272, G replaced by C.
Protein change: p.Ser91Thr; replaces serine 91 with threonine.
Molecular consequence: missense variant.
Genome position (GRCh38, 1-based): chr16:1,154,009, G>C. VCF-style: chr16-1154009-G-C. GRCh37 (hg19) VCF-style: chr16-1204009-G-C.
Other names: c.272G>C, p.Ser91Thr (NM_001005407.2); short protein forms S91T.
Identifiers: ClinVar variation 1902396 (VCV001902396.5), dbSNP rs2548480317, ClinGen allele CA394145982.